The following is an entry in ClinVar:

NM_016507.4(CDK12):c.736T>G (p.Tyr246Asp)

Genes: CDK12 (cyclin dependent kinase 12; plus strand), LOC126862553 (CDK7 strongly-dependent group 2 enhancer GRCh37_chr17:37618166-37619365; plus strand). Cytogenetic location: 17q12.
Variant type: single nucleotide variant.
Coding change: c.736T>G on transcript NM_016507.4 (MANE Select); coding-DNA position 736, T replaced by G.
Protein change: p.Tyr246Asp; replaces tyrosine 246 with aspartic acid.
Molecular consequence: missense variant.
Genome position (GRCh38, 1-based): chr17:39,462,807, T>G. VCF-style: chr17-39462807-T-G. GRCh37 (hg19) VCF-style: chr17-37619060-T-G.
Other names: c.736T>G, p.Tyr246Asp (NM_015083.4); short protein forms Y246D.
Identifiers: ClinVar variation 4844510 (VCV004844510.1).
Genomic context (GRCh38, chr17:39,462,807, plus strand): 5'-AAGTGGTCTGACAGCTCCAAACAAGATGATAGCCCCTCGGGAGCTTCTTATGGCCAAGAT[T>G]ATGACCTTAGTCCCTCACGATCTCATACCTCGAGCAATTATGACTCCTACAAGAAAAGTC-3'
Protein context (NP_057591.2, residues 236-256): SPSGASYGQD[Tyr246Asp]DLSPSRSHTS

ClinVar aggregate classification (germline): Uncertain significance (1 of 4 stars; one submission).

Submission:

Ambry Genetics
Classification: Uncertain significance. Last evaluated: 2026-02-18. Review status: criteria provided, single submitter. Criteria: Ambry Variant Classification Scheme 2023. Collection method: clinical testing. Allele origin: germline.
Comment: The p.Y246D variant (also known as c.736T>G), located in coding exon 1 of the CDK12 gene, results from a T to G substitution at nucleotide position 736. The tyrosine at codon 246 is replaced by aspartic acid, an amino acid with highly dissimilar properties. This amino acid position is conserved. In addition, the in silico prediction for this alteration is inconclusive. Based on the available evidence, the clinical significance of this variant remains unclear.